The following is an entry in ClinVar:

NM_001267550.2(TTN):c.105898del (p.Ile35300fs)

Genes: TTN (titin; minus strand), TTN-AS1 (TTN antisense RNA 1; plus strand), LOC129935183 (ATAC-STARR-seq lymphoblastoid active region 16808; plus strand). Cytogenetic location: 2q31.2.
Variant type: Deletion.
Coding change: c.105898del on transcript NM_001267550.2 (MANE Select); coding-DNA position 105898, one base deleted (A; older notation c.105898delA).
Protein change: p.Ile35300fs; shifts the reading frame from isoleucine 35300.
Molecular consequence: frameshift variant.
Genome position (GRCh38, 1-based): chr2:178,530,717, T deleted on the plus strand (A on the coding strand, the reverse complement: TTN is on the minus strand). VCF-style (leftmost placement, unchanged base first): chr2-178530716-AT-A. GRCh37 (hg19) VCF-style: chr2-179395443-AT-A.
Other names: c.100975del, p.Ile33659fs (NM_001256850.1); c.78703del, p.Ile26235fs (NM_003319.4); c.98194del, p.Ile32732fs (NM_133378.4); c.79078del, p.Ile26360fs (NM_133432.3); c.79279del, p.Ile26427fs (NM_133437.4); short protein forms I26427fs, I32732fs, I26235fs, I26360fs, I33659fs, I35300fs.
Identifiers: ClinVar variation 2941951 (VCV002941951.3), dbSNP rs2468380518, ClinGen allele CA2740095951.

ClinVar aggregate classification (germline): Likely pathogenic (1 of 4 stars; one submission).

Conditions:
Dilated cardiomyopathy 1G (CMD1G). Identifiers: Orphanet 154, MedGen C1858763, MONDO:0011400, OMIM 604145.
Autosomal recessive limb-girdle muscular dystrophy type 2J (LGMDR10). Also called: Limb-girdle muscular dystrophy, type 2J; MUSCULAR DYSTROPHY, LIMB-GIRDLE, AUTOSOMAL RECESSIVE 10. Identifiers: Orphanet 140922, MedGen C1837342, MONDO:0012127, OMIM 608807.

Submission:

Labcorp Genetics (formerly Invitae), Labcorp
Classification: Likely pathogenic for Dilated cardiomyopathy 1G; Autosomal recessive limb-girdle muscular dystrophy type 2J. Last evaluated: 2023-12-06. Review status: criteria provided, single submitter. Criteria: Invitae Variant Classification Sherloc (09022015). Collection method: clinical testing. Allele origin: germline.
Comment: This sequence change creates a premature translational stop signal (p.Ile35300Leufs*4) in the TTN gene. While this is not anticipated to result in nonsense mediated decay, it is expected to create a truncated TTN protein. This variant is not present in population databases (gnomAD no frequency). This variant has not been reported in the literature in individuals affected with TTN-related conditions. This variant is located in the M band of TTN (PMID: 25589632). Truncating variants in this region have been previously reported in individuals affected with autosomal recessive myopathy and muscular dystrophy (PMID: 18948003, 23975875, 24395473). Truncating variants in this region have also been identified in individuals affected with autosomal dominant dilated cardiomyopathy and/or cardio-related conditions (PMID: 27869827, 32964742). In summary, the currently available evidence indicates that the variant is pathogenic, but additional data are needed to prove that conclusively. Therefore, this variant has been classified as Likely Pathogenic.

Literature cited by the submitters: PubMed 25589632; PubMed 18948003; PubMed 23975875; PubMed 24395473; PubMed 27869827; PubMed 32964742.